The following is an entry in ClinVar:

NM_001349338.3(FOXP1):c.1750C>A (p.Leu584Ile)

Gene: FOXP1 (forkhead box P1; minus strand). Cytogenetic location: 3p13.
Variant type: single nucleotide variant.
Coding change: c.1750C>A on transcript NM_001349338.3 (MANE Select); coding-DNA position 1750, C replaced by A.
Protein change: p.Leu584Ile; replaces leucine 584 with isoleucine.
Molecular consequence: missense variant. On other transcripts: non-coding transcript variant (2).
Genome position (GRCh38, 1-based): chr3:70,966,029, G>T on the plus strand (C>A on the coding strand, the complement: FOXP1 is on the minus strand). VCF-style: chr3-70966029-G-T. GRCh37 (hg19) VCF-style: chr3-71015180-G-T.
Other names: c.1747C>A, p.Leu583Ile (NM_001244808.3, NM_001349341.3); c.1798C>A, p.Leu600Ile (NM_001244810.2); c.1522C>A, p.Leu508Ile (NM_001244812.3); c.1450C>A, p.Leu484Ile (NM_001244813.3, NM_001244815.2, NM_001349342.3); c.1750C>A, p.Leu584Ile (NM_001244814.3, NM_001244816.2, NM_001349340.3 and 1 more transcripts); c.1447C>A, p.Leu483Ile (NM_001349337.2, NM_001349343.3, NM_001349344.3 and 1 more transcripts); short protein forms L483I, L600I, L484I, L508I, L584I, L583I.
Identifiers: ClinVar variation 2759470 (VCV002759470.3), dbSNP rs757267242, ClinGen allele CA2490828.

ClinVar aggregate classification (germline): Uncertain significance (1 of 4 stars; one submission).

Allele frequency attached by ClinVar (database versions not stated): gnomAD 0.00001; gnomAD exomes 0.00001; ExAC 0.00002.
gnomAD v4.1: 5 of 1,614,018 alleles (0.00031%); highest among the groups gnomAD compares: Non-Finnish European, 0.00034%; no homozygotes.

Submission:

Labcorp Genetics (formerly Invitae), Labcorp
Classification: Uncertain significance. Last evaluated: 2023-09-10. Review status: criteria provided, single submitter. Criteria: Invitae Variant Classification Sherloc (09022015). Collection method: clinical testing. Allele origin: germline.
Comment: In summary, the available evidence is currently insufficient to determine the role of this variant in disease. Therefore, it has been classified as a Variant of Uncertain Significance. Advanced modeling of protein sequence and biophysical properties (such as structural, functional, and spatial information, amino acid conservation, physicochemical variation, residue mobility, and thermodynamic stability) has been performed at Invitae for this missense variant, however the output from this modeling did not meet the statistical confidence thresholds required to predict the impact of this variant on FOXP1 protein function. This variant has not been reported in the literature in individuals affected with FOXP1-related conditions. This variant is present in population databases (rs757267242, gnomAD 0.002%). This sequence change replaces leucine, which is neutral and non-polar, with isoleucine, which is neutral and non-polar, at codon 584 of the FOXP1 protein (p.Leu584Ile).